The following is an entry in ClinVar:

NM_018161.5(NADSYN1):c.1088C>T (p.Ala363Val)

Gene: NADSYN1 (NAD synthetase 1; plus strand). Cytogenetic location: 11q13.4.
Variant type: single nucleotide variant.
Coding change: c.1088C>T on transcript NM_018161.5 (MANE Select); coding-DNA position 1088, C replaced by T.
Protein change: p.Ala363Val; replaces alanine 363 with valine.
Molecular consequence: missense variant.
Genome position (GRCh38, 1-based): chr11:71,481,963, C>T. VCF-style: chr11-71481963-C-T. GRCh37 (hg19) VCF-style: chr11-71193009-C-T.
Other names: short protein forms A363V.
Identifiers: ClinVar variation 2575904 (VCV002575904.1), dbSNP rs746448347, ClinGen allele CA6163369.

ClinVar aggregate classification (germline): Likely pathogenic (1 of 4 stars; one submission).

Conditions:
Vertebral, cardiac, renal, and limb defects syndrome 3. Also called: CONGENITAL NAD DEFICIENCY DISORDER 3. Identifiers: MedGen C5394250, MONDO:0030077, OMIM 618845.

Allele frequency attached by ClinVar (database versions not stated): ExAC 0.00001; gnomAD 0.00001; TOPMed 0.00002.
gnomAD v4.1: 20 of 1,607,382 alleles (0.0012%); highest among the groups gnomAD compares: African/African-American, 0.0027%; no homozygotes.

Submission:

Embryology Laboratory, Victor Chang Cardiac Research Institute
Classification: Likely pathogenic for Vertebral, cardiac, renal, and limb defects syndrome 3. Last evaluated: 2023-05-10. Review status: criteria provided, single submitter. Criteria: ACMG Guidelines, 2015. Collection method: research. Allele origin: maternal. Inheritance: Autosomal recessive inheritance. Affected: yes. Observed: 1 compound heterozygote.
Comment: This variant was found in compound heterozygosity with the likely pathogenic variant c.1765-7T>A.